The following is an entry in ClinVar:

NM_019892.6(INPP5E):c.364G>A (p.Gly122Arg)

Gene: INPP5E (inositol polyphosphate-5-phosphatase E; minus strand). Cytogenetic location: 9q34.3.
Variant type: single nucleotide variant.
Coding change: c.364G>A on transcript NM_019892.6 (MANE Select); coding-DNA position 364, G replaced by A.
Protein change: p.Gly122Arg; replaces glycine 122 with arginine.
Molecular consequence: missense variant.
Genome position (GRCh38, 1-based): chr9:136,439,056, C>T on the plus strand (G>A on the coding strand, the complement: INPP5E is on the minus strand). VCF-style: chr9-136439056-C-T. GRCh37 (hg19) VCF-style: chr9-139333508-C-T.
Other names: c.364G>A (NM_019892.4, NM_019892.5); c.364G>A, p.Gly122Arg (NM_001318502.2); short protein forms G122R.
Identifiers: ClinVar variation 2114988 (VCV002114988.6), dbSNP rs1252990086, ClinGen allele CA375569505.
Genomic context (GRCh38, chr9:136,439,056, plus strand): 5'-TGGGGATTTCCTGCAAGGAGGTGCTCAGGCAGGGCGGGGAGCAGCTGTGGGCGGGGGCCC[C>T]GGGGCCCTCGCTCTGCACTGAGCCCCTGGAGGGACTGGTCCCATTCCGGGCTTCCAGGTC-3'
Protein context (NP_063945.2, residues 112-132): SRGSVQSEGP[Gly122Arg]APAHSCSPPC

ClinVar aggregate classification (germline): Uncertain significance. Review status: criteria provided, multiple submitters, no conflicts (2 of 4 stars). 3 submissions from 3 submitters: Uncertain significance (3). Last evaluated 2025-03-22.

Conditions:
INPP5E-related disorder. Also called: INPP5E-related condition.
Inborn genetic diseases. Identifiers: MedGen C0950123, MeSH D030342.
Joubert syndrome. Also called: JOUBERT-BOLTSHAUSER SYNDROME; Familial aplasia of the vermis. Identifiers: Orphanet 475, MedGen C5979921, MONDO:0018772.

Submissions (3):

Ambry Genetics
Classification: Uncertain significance for Inborn genetic diseases. Last evaluated: 2025-03-22. Review status: criteria provided, single submitter. Criteria: Ambry Variant Classification Scheme 2023. Collection method: clinical testing. Allele origin: germline.

PreventionGenetics, part of Exact Sciences
Classification: Uncertain significance for INPP5E-related condition. Last evaluated: 2025-03-19. Review status: criteria provided, single submitter. Criteria: ACMG Guidelines, 2015. Collection method: clinical testing. Allele origin: germline.
Comment: The INPP5E c.364G>A variant is predicted to result in the amino acid substitution p.Gly122Arg. To our knowledge, this variant has not been reported in the literature or in a large population database (gnomAD), indicating this variant is rare. At this time, the clinical significance of this variant is uncertain due to the absence of conclusive functional and genetic evidence.

Labcorp Genetics (formerly Invitae), Labcorp
Classification: Uncertain significance for Joubert syndrome. Last evaluated: 2024-08-19. Review status: criteria provided, single submitter. Criteria: Invitae Variant Classification Sherloc (09022015). Collection method: clinical testing. Allele origin: germline.
Comment: This sequence change replaces glycine, which is neutral and non-polar, with arginine, which is basic and polar, at codon 122 of the INPP5E protein (p.Gly122Arg). This variant is not present in population databases (gnomAD no frequency). This variant has not been reported in the literature in individuals affected with INPP5E-related conditions. ClinVar contains an entry for this variant (Variation ID: 2114988). Invitae Evidence Modeling of protein sequence and biophysical properties (such as structural, functional, and spatial information, amino acid conservation, physicochemical variation, residue mobility, and thermodynamic stability) indicates that this missense variant is not expected to disrupt INPP5E protein function with a negative predictive value of 95%. In summary, the available evidence is currently insufficient to determine the role of this variant in disease. Therefore, it has been classified as a Variant of Uncertain Significance.